The following is an entry in ClinVar:

NM_000349.3(STAR):c.503dup (p.His168fs)

Gene: STAR (steroidogenic acute regulatory protein; minus strand). Cytogenetic location: 8p11.23.
Variant type: Duplication.
Coding change: c.503dup on transcript NM_000349.3 (MANE Select); coding-DNA position 503, one base duplicated (A; older notation c.503dupA).
Protein change: p.His168fs; shifts the reading frame from histidine 168.
Molecular consequence: frameshift variant.
Genome position (GRCh38, 1-based): chr8:38,146,110, T duplicated on the plus strand (A on the coding strand, the reverse complement: STAR is on the minus strand). VCF-style (leftmost placement, unchanged base first): chr8-38146109-G-GT. GRCh37 (hg19) VCF-style: chr8-38003627-G-GT.
Other names: short protein forms H168fs.
Identifiers: ClinVar variation 1724129 (VCV001724129.2), dbSNP rs2487062211, ClinGen allele CA2580078225.
Genomic context (GRCh38, chr8:38,146,109, plus strand): 5'-GCGCACGCTCACAAAGTCACGGGGCCCCACCAGGTTTCCTGCTGCCTCGGCAGCCAGCTC[G>GT]TGAGTAATGAATGTATCTTTTCCGATCTTCTGCAGGACCTACCAGGCCATGGGGAACCAG-3'

ClinVar aggregate classification (germline): Likely pathogenic (1 of 4 stars; one submission).

Conditions:
Congenital lipoid adrenal hyperplasia due to STAR deficency. Also called: Congenital Lipoid Adrenal Hyperplasia; Cholesterol monooxygenase (side-chain cleaving) deficiency; Lipoid adrenal hyperplasia; ADRENAL HYPERPLASIA I. Identifiers: Orphanet 418, Orphanet 90790, MedGen C0342474, MONDO:0008725, OMIM 201710.

Submission:

Myriad Genetics, Inc.
Classification: Likely pathogenic for Congenital lipoid adrenal hyperplasia due to STAR deficency. Last evaluated: 2022-01-26. Review status: criteria provided, single submitter. Criteria: Myriad Women's Health Autosomal Recessive and X-Linked Classification Criteria (2021). Collection method: clinical testing. Allele origin: unknown.
Comment: NM_000349.2(STAR):c.503dupA(H168Qfs*16) is expected to be pathogenic in the context of lipoid congenital adrenal hyperplasia. This variant is predicted to lead to an abnormal or absent protein product due to the creation of a premature termination codon in STAR, a gene where loss-of-function variants are known to be pathogenic. Please note: this variant was assessed in the context of healthy population screening.